The following is an entry in ClinVar:

NM_001127222.2(CACNA1A):c.228G>T (p.Arg76=)

Gene: CACNA1A (calcium voltage-gated channel subunit alpha1 A; minus strand). Cytogenetic location: 19p13.13.
Variant type: single nucleotide variant.
Coding change: c.228G>T on transcript NM_001127222.2 (MANE Select); coding-DNA position 228, G replaced by T.
Protein change: p.Arg76=; no amino-acid change (arginine 76 retained).
Molecular consequence: synonymous variant.
Genome position (GRCh38, 1-based): chr19:13,505,997, C>A on the plus strand (G>T on the coding strand, the complement: CACNA1A is on the minus strand). VCF-style: chr19-13505997-C-A. GRCh37 (hg19) VCF-style: chr19-13616811-C-A.
Other names: c.228G>T, p.Arg76= (NM_000068.4, NM_001127221.2, NM_001174080.2 and 1 more transcripts).
Identifiers: ClinVar variation 4085140 (VCV004085140.8).

ClinVar aggregate classification (germline): Likely benign (1 of 4 stars; one submission).

Submission:

CeGaT Center for Human Genetics Tuebingen
Classification: Likely benign. Last evaluated: 2025-06-01. Review status: criteria provided, single submitter. Criteria: CeGaT Center For Human Genetics Tuebingen Variant Classification Criteria Version 2. Collection method: clinical testing. Allele origin: germline. Affected: yes. Observed: 1 variant allele.
Comment: CACNA1A: PM2:Supporting, BP4, BP7